The following is an entry in ClinVar:

ClinVar aggregate classification (germline): Pathogenic. Review status: criteria provided, single submitter (1 of 4 stars). 2 submissions from 2 submitters: Pathogenic (1). 1 of the submissions does not count toward it. Last evaluated 2024-02-23.

Conditions:
Poikiloderma with neutropenia (PN). Identifiers: Orphanet 221046, MedGen C1858723, MONDO:0011405, OMIM 604173.

Allele frequency attached by ClinVar (database versions not stated): gnomAD exomes below 0.00001.
gnomAD v4.1: 2 of 1,614,144 alleles (0.00012%); highest among the groups gnomAD compares: Non-Finnish European, 0.00017%; no homozygotes.

Submissions (2):

Labcorp Genetics (formerly Invitae), Labcorp
Classification: Pathogenic. Last evaluated: 2024-02-23. Review status: criteria provided, single submitter. Criteria: Invitae Variant Classification Sherloc (09022015). Collection method: clinical testing. Allele origin: germline.
Comment: This sequence change creates a premature translational stop signal (p.Gln139*) in the USB1 gene. It is expected to result in an absent or disrupted protein product. Loss-of-function variants in USB1 are known to be pathogenic (PMID: 20817924, 25044170). This variant is not present in population databases (gnomAD no frequency). This premature translational stop signal has been observed in individual(s) with poikiloderma with neutropenia (PMID: 21271650). ClinVar contains an entry for this variant (Variation ID: 496757). For these reasons, this variant has been classified as Pathogenic.

GeneReviews
No classification provided. Condition: Poikiloderma with neutropenia. Review status: no classification provided. Collection method: literature only. Allele origin: germline. Not counted in ClinVar's aggregate classification.

Literature cited by the submitters: PubMed 20817924 (cited by Labcorp Genetics (formerly Invitae), Labcorp); PubMed 25044170 (cited by Labcorp Genetics (formerly Invitae), Labcorp); PubMed 21271650 (cited by Labcorp Genetics (formerly Invitae), Labcorp); NCBI Bookshelf NBK459118 (cited by GeneReviews); PubMed 29072891 (cited by GeneReviews).

NM_024598.4(USB1):c.415C>T (p.Gln139Ter)

Gene: USB1 (U6 snRNA biogenesis phosphodiesterase 1; plus strand). Cytogenetic location: 16q21.
Variant type: single nucleotide variant.
Coding change: c.415C>T on transcript NM_024598.4 (MANE Select); coding-DNA position 415, C replaced by T.
Protein change: p.Gln139Ter; replaces glutamine 139 with a stop codon.
Molecular consequence: nonsense.
Genome position (GRCh38, 1-based): chr16:58,010,078, C>T. VCF-style: chr16-58010078-C-T. GRCh37 (hg19) VCF-style: chr16-58043982-C-T.
Other names: c.415C>T, p.Gln139Ter (NM_001195302.2, NM_001204911.2, NM_001330569.2); c.262C>T, p.Gln88Ter (NM_001330568.2); short protein forms Q139*, Q88*.
Identifiers: ClinVar variation 496757 (VCV000496757.5), dbSNP rs1555498129, ClinGen allele CA396129268.